The following is an entry in ClinVar:

ClinVar aggregate classification (germline): Uncertain significance (1 of 4 stars; one submission).

Submission:

Ambry Genetics
Classification: Uncertain significance. Last evaluated: 2021-10-13. Review status: criteria provided, single submitter. Criteria: Ambry Variant Classification Scheme 2023. Collection method: clinical testing. Allele origin: germline.
Comment: The p.S198P variant (also known as c.592T>C), located in coding exon 1 of the PALLD gene, results from a T to C substitution at nucleotide position 592. The serine at codon 198 is replaced by proline, an amino acid with similar properties. This amino acid position is conserved. In addition, the in silico prediction for this alteration is inconclusive. Since supporting evidence is limited at this time, the clinical significance of this alteration remains unclear.

NM_001166108.2(PALLD):c.592T>C (p.Ser198Pro)

Gene: PALLD (palladin, cytoskeletal associated protein; plus strand). Cytogenetic location: 4q32.3.
Variant type: single nucleotide variant.
Coding change: c.592T>C on transcript NM_001166108.2 (MANE Select); coding-DNA position 592, T replaced by C.
Protein change: p.Ser198Pro; replaces serine 198 with proline.
Molecular consequence: missense variant.
Genome position (GRCh38, 1-based): chr4:168,512,096, T>C. VCF-style: chr4-168512096-T-C. GRCh37 (hg19) VCF-style: chr4-169433247-T-C.
Other names: c.592T>C, p.Ser198Pro (NM_016081.4); short protein forms S198P.
Identifiers: ClinVar variation 1750567 (VCV001750567.2), dbSNP rs2531434310, ClinGen allele CA358726374.